The following is an entry in ClinVar:

NM_139027.6(ADAMTS13):c.965G>T (p.Cys322Phe)

Gene: ADAMTS13 (ADAM metallopeptidase with thrombospondin type 1 motif 13; plus strand). Cytogenetic location: 9q34.2.
Variant type: single nucleotide variant.
Coding change: c.965G>T on transcript NM_139027.6 (MANE Select); coding-DNA position 965, G replaced by T.
Protein change: p.Cys322Phe; replaces cysteine 322 with phenylalanine.
Molecular consequence: missense variant.
Genome position (GRCh38, 1-based): chr9:133,430,079, G>T. VCF-style: chr9-133430079-G-T. GRCh37 (hg19) VCF-style: chr9-136295199-G-T.
Other names: c.965G>T, p.Cys322Phe (NM_139025.5); c.872G>T, p.Cys291Phe (NM_139026.6); short protein forms C291F, C322F.
Identifiers: ClinVar variation 3600407 (VCV003600407.1).
Genomic context (GRCh38, chr9:133,430,079, plus strand): 5'-GCCTCTACTACAGCGCCAACGAGCAGTGCCGCGTGGCCTTCGGCCCCAAGGCTGTCGCCT[G>T]CACCTTCGCCAGGGAGCACCTGGTGAGTCTGCCGGCGGTGGCCTGGGATTGGCTGTGAGG-3'
Protein context (NP_620596.2, residues 312-332): RVAFGPKAVA[Cys322Phe]TFAREHLDMC

ClinVar aggregate classification (germline): Uncertain significance (1 of 4 stars; one submission).

Conditions:
Upshaw-Schulman syndrome (TTP). Also called: Congenital thrombotic thrombocytopenic purpura; THROMBOTIC THROMBOCYTOPENIC PURPURA, HEREDITARY. Identifiers: Orphanet 93583, MedGen C1268935, MONDO:0010122, OMIM 274150.

gnomAD v4.1: 2 of 1,592,826 alleles (0.00013%); highest among the groups gnomAD compares: Non-Finnish European, 0.00017%; no homozygotes.

Submission:

Clinical Genomics Laboratory, Washington University in St. Louis
Classification: Uncertain significance for Upshaw-Schulman syndrome. Last evaluated: 2024-06-04. Review status: criteria provided, single submitter. Criteria: ACMG Guidelines, 2015. Collection method: clinical testing. Allele origin: germline.
Comment: An ADAMTS13 c.965G>T (p.Cys322Phe) variant was identified. This variant, to our knowledge, has not been reported in the medical literature. This variant is absent from the general population (gnomAD v.2.1.1), indicating it is not a common variant. Computational predictors indicate that the variant is damaging, evidence that may correlate with impact on ADAMTS13 function. Due to limited information, and based on ACMG/AMP guidelines for variant interpretation (Richards S et al., PMID: 25741868), the clinical significance of this variant is uncertain at this time.